The following is an entry in ClinVar:

ClinVar aggregate classification (germline): Likely pathogenic (1 of 4 stars; one submission).

Conditions:
Neurodevelopmental disorder. Identifiers: MedGen C1535926, MeSH D065886, MONDO:0700092.

Submission:

Laboratory for Molecular Medicine, Mass General Brigham Personalized Medicine
Classification: Likely pathogenic for Neurodevelopmental disorder. Last evaluated: 2019-12-18. Review status: criteria provided, single submitter. Criteria: LMM Criteria. Collection method: clinical testing. Allele origin: germline. Inheritance: Autosomal dominant inheritance. Observed: 1 variant allele.
Comment: The c.3965-1G>A variant in ZFHX4 has not been previously reported in individuals with a neurodevelopmental phenotype and is absent from large population studies. However, this variant was found in an individual with autism spectrum disorder, ADHD, anxiety, truncal muscle weakness, poor coordination, delayed growth and puberty, hypermobility, osteoporosis, and tachycardia by the Broad Institute Rare Genomes Project. This variant occurs in the invariant region (+/- 1,2) of the splice consensus sequence and is predicted to cause altered splicing leading to an abnormal or absent protein. Currently, there is strong evidence to support an association between ZFHX4 and a neurodevelopmental phenotype with additional studies underway. . In summary, this variant meets criteria to be classified as likely pathogenic for neurodevelopmental disorder with autosomal dominant inheritance based upon absence from the general population and predicted impact on the protein. ACMG/AMP Criteria applied: PVS1, PM2.

Literature cited by the submitters: PubMed 24440720; PubMed 21802062; PubMed 16946494.

NM_024721.5(ZFHX4):c.3965-1G>A

Gene: ZFHX4 (zinc finger homeobox 4; plus strand). Cytogenetic location: 8q21.13.
Variant type: single nucleotide variant.
Coding change: c.3965-1G>A on transcript NM_024721.5 (MANE Select); the canonical splice acceptor site of the intron before coding-DNA position 3965, G replaced by A.
Molecular consequence: splice acceptor variant.
Genome position (GRCh38, 1-based): chr8:76,850,885, G>A. VCF-style: chr8-76850885-G-A. GRCh37 (hg19) VCF-style: chr8-77763121-G-A.
Other names: c.3887-1G>A (NM_001410934.1).
Identifiers: ClinVar variation 930036 (VCV000930036.4), dbSNP rs1812496169, ClinGen allele CA371500701.